The following is an entry in ClinVar:

NM_001007553.3(CSDE1):c.1166A>G (p.Asp389Gly)

Gene: CSDE1 (cold shock domain containing E1; minus strand). Cytogenetic location: 1p13.2.
Variant type: single nucleotide variant.
Coding change: c.1166A>G on transcript NM_001007553.3 (MANE Select); coding-DNA position 1166, A replaced by G.
Protein change: p.Asp389Gly; replaces aspartic acid 389 with glycine.
Molecular consequence: missense variant.
Genome position (GRCh38, 1-based): chr1:114,730,533, T>C on the plus strand (A>G on the coding strand, the complement: CSDE1 is on the minus strand). VCF-style: chr1-114730533-T-C. GRCh37 (hg19) VCF-style: chr1-115273154-T-C.
Other names: c.1211A>G, p.Asp404Gly (NM_001130523.3); c.1304A>G, p.Asp435Gly (NM_001242891.2); c.1166A>G, p.Asp389Gly (NM_001242892.2); c.1073A>G, p.Asp358Gly (NM_001242893.2, NM_007158.6); short protein forms D358G, D389G, D404G, D435G.
Identifiers: ClinVar variation 3373047 (VCV003373047.1).
Genomic context (GRCh38, chr1:114,730,533, plus strand): 5'-GAAACACCTCCCAACTTTTCTCAGAAACAACTCACAGGAACCACAGTAAACTCTACTTCA[T>C]CTGCAATATGGAGCTGGTTCCCATCCAGAATTTCACTGAAGTGGAAGAACATACGAACAT-3'
Protein context (NP_001007554.1, residues 379-399): ILDGNQLHIA[Asp389Gly]EVEFTVVPDM

ClinVar aggregate classification (germline): Uncertain significance (1 of 4 stars; one submission).

Submission:

GeneDx
Classification: Uncertain significance. Last evaluated: 2024-04-30. Review status: criteria provided, single submitter. Criteria: GeneDx Variant Classification Process June 2021. Collection method: clinical testing. Allele origin: germline. Affected: yes.
Comment: Not observed at significant frequency in large population cohorts (gnomAD); In silico analysis supports that this missense variant has a deleterious effect on protein structure/function; In silico analysis supports a deleterious effect on splicing; Has not been previously published as pathogenic or benign to our knowledge